The following is an entry in ClinVar:

NM_002890.3(RASA1):c.1535G>A (p.Arg512Gln)

Genes: CCNH (cyclin H; minus strand), RASA1 (RAS p21 protein activator 1; plus strand). Cytogenetic location: 5q14.3.
Variant type: single nucleotide variant.
Coding change: c.1535G>A on transcript NM_002890.3 (MANE Select); coding-DNA position 1535, G replaced by A.
Protein change: p.Arg512Gln; replaces arginine 512 with glutamine.
Molecular consequence: missense variant. On other transcripts: intron variant (1).
Genome position (GRCh38, 1-based): chr5:87,363,429, G>A. VCF-style: chr5-87363429-G-A. GRCh37 (hg19) VCF-style: chr5-86659246-G-A.
Other names: c.1004G>A, p.Arg335Gln (NM_022650.3); c.933+31615C>T (NM_001364075.2); short protein forms R335Q, R512Q.
Identifiers: ClinVar variation 946610 (VCV000946610.11), dbSNP rs1760264098, ClinGen allele CA360369347.

ClinVar aggregate classification (germline): Uncertain significance. Review status: criteria provided, multiple submitters, no conflicts (2 of 4 stars). 2 submissions from 2 submitters: Uncertain significance (2). Last evaluated 2022-09-19.

Conditions:
Capillary malformation-arteriovenous malformation syndrome. Also called: Capillary malformation-arteriovenous malformation. Identifiers: Orphanet 137667, MedGen C1842180, MONDO:0012016.

Allele frequency attached by ClinVar (database versions not stated): gnomAD exomes below 0.00001.
gnomAD v4.1: 4 of 1,611,122 alleles (0.00025%); highest among the groups gnomAD compares: South Asian, 0.0011%; no homozygotes.

Submissions (2):

GeneDx
Classification: Uncertain significance. Last evaluated: 2022-09-19. Review status: criteria provided, single submitter. Criteria: GeneDx Variant Classification Process June 2021. Collection method: clinical testing. Allele origin: germline. Affected: yes.
Comment: Not observed at significant frequency in large population cohorts (gnomAD); In silico analysis supports that this missense variant does not alter protein structure/function; Has not been previously published as pathogenic or benign to our knowledge

Labcorp Genetics (formerly Invitae), Labcorp
Classification: Uncertain significance for Capillary malformation-arteriovenous malformation syndrome. Last evaluated: 2019-03-29. Review status: criteria provided, single submitter. Criteria: Invitae Variant Classification Sherloc (09022015). Collection method: clinical testing. Allele origin: germline.
Comment: In summary, the available evidence is currently insufficient to determine the role of this variant in disease. Therefore, it has been classified as a Variant of Uncertain Significance. Algorithms developed to predict the effect of missense changes on protein structure and function are either unavailable or do not agree on the potential impact of this missense change (SIFT: "Deleterious"; PolyPhen-2: "Probably Damaging"; Align-GVGD: "Class C0"). This variant has not been reported in the literature in individuals with RASA1-related conditions. This variant is not present in population databases (ExAC no frequency). This sequence change replaces arginine with glutamine at codon 512 of the RASA1 protein (p.Arg512Gln). The arginine residue is highly conserved and there is a small physicochemical difference between arginine and glutamine.